The following is an entry in ClinVar:

NM_001367624.2(ZNF469):c.6412T>C (p.Ser2138Pro)

Gene: ZNF469 (zinc finger protein 469; plus strand). Cytogenetic location: 16q24.2.
Variant type: single nucleotide variant.
Coding change: c.6412T>C on transcript NM_001367624.2 (MANE Select); coding-DNA position 6412, T replaced by C.
Protein change: p.Ser2138Pro; replaces serine 2138 with proline.
Molecular consequence: missense variant.
Genome position (GRCh38, 1-based): chr16:88,433,882, T>C. VCF-style: chr16-88433882-T-C. GRCh37 (hg19) VCF-style: chr16-88500290-T-C.
Other names: p.Ser2138Pro; short protein forms S2138P.
Identifiers: ClinVar variation 3380413 (VCV003380413.1).

ClinVar aggregate classification (germline): Uncertain significance (1 of 4 stars; one submission).

Submission:

Mayo Clinic Laboratories, Mayo Clinic
Classification: Uncertain significance. Last evaluated: 2024-01-12. Review status: criteria provided, single submitter. Criteria: ACMG Guidelines, 2015. Collection method: clinical testing. Allele origin: germline. Observed: 1 variant allele.
Comment: BP4, PM2